The following is an entry in ClinVar:

ClinVar aggregate classification (germline): Uncertain significance (1 of 4 stars; one submission).

Allele frequency attached by ClinVar (database versions not stated): gnomAD exomes below 0.00001.
gnomAD v4.1: 3 of 1,613,786 alleles (0.00019%); highest among the groups gnomAD compares: East Asian, 0.0045%; no homozygotes.

Submission:

Ambry Genetics
Classification: Uncertain significance. Last evaluated: 2023-05-04. Review status: criteria provided, single submitter. Criteria: Ambry Variant Classification Scheme 2023. Collection method: clinical testing. Allele origin: germline.
Comment: The p.A148G variant (also known as c.443C>G), located in coding exon 2 of the GALNT12 gene, results from a C to G substitution at nucleotide position 443. The alanine at codon 148 is replaced by glycine, an amino acid with similar properties. This amino acid position is highly conserved in available vertebrate species. In addition, this alteration is predicted to be tolerated by in silico analysis. Since supporting evidence is limited at this time, the clinical significance of this alteration remains unclear.

NM_024642.5(GALNT12):c.443C>G (p.Ala148Gly)

Gene: GALNT12 (polypeptide N-acetylgalactosaminyltransferase 12; plus strand). Cytogenetic location: 9q22.33.
Variant type: single nucleotide variant.
Coding change: c.443C>G on transcript NM_024642.5 (MANE Select); coding-DNA position 443, C replaced by G.
Protein change: p.Ala148Gly; replaces alanine 148 with glycine.
Molecular consequence: missense variant.
Genome position (GRCh38, 1-based): chr9:98,823,327, C>G. VCF-style: chr9-98823327-C-G. GRCh37 (hg19) VCF-style: chr9-101585609-C-G.
Other names: short protein forms A148G.
Identifiers: ClinVar variation 824892 (VCV000824892.5), dbSNP rs1175927536, ClinGen allele CA374216720.
Genomic context (GRCh38, chr9:98,823,327, plus strand): 5'-AGAAATATGATTATGATAATTTGCCCAGGACATCTGTTATCATAGCATTTTATAATGAAG[C>G]CTGGTCAACTCTCCTTCGGACAGTTTACAGTGTCCTTGAGACATCCCCGGATATCCTGCT-3'
Protein context (NP_078918.3, residues 138-158): TSVIIAFYNE[Ala148Gly]WSTLLRTVYS